The following is an entry in ClinVar:

NM_001042545.2(LTBP4):c.56_67dup (p.Leu19_Gln22dup)

Genes: LTBP4 (latent transforming growth factor beta binding protein 4; plus strand), LOC130064472 (ATAC-STARR-seq lymphoblastoid silent region 10636; plus strand). Cytogenetic location: 19q13.2.
Variant type: Duplication.
Coding change: c.56_67dup on transcript NM_001042545.2 (MANE Select); coding-DNA positions 56 to 67, 12 bases duplicated (TAGGGCCGCAGC).
Protein change: p.Leu19_Gln22dup.
Molecular consequence: inframe insertion. On other transcripts: intron variant (2).
Genome position (GRCh38, 1-based): chr19:40,601,443-40,601,454, TAGGGCCGCAGC duplicated; duplicating any 12 consecutive bases within chr19:40,601,437-40,601,454 gives the same sequence; the c. name uses the placement nearest the transcript's 3' end. VCF-style (leftmost placement, unchanged base first): chr19-40601436-G-GCGCAGCTAGGGC. GRCh37 (hg19) VCF-style: chr19-41107342-G-GCGCAGCTAGGGC.
Other names: c.340+1266_340+1277dup (NM_003573.2); c.451+1266_451+1277dup (NM_001042544.1); c.340+1266_340+1277dup12 (NM_003573.2).
Identifiers: ClinVar variation 517252 (VCV000517252.43), dbSNP rs1220133830, ClinGen allele CA507500123.

ClinVar aggregate classification (germline): Conflicting classifications of pathogenicity. Review status: criteria provided, conflicting classifications (1 of 4 stars). 3 submissions from 3 submitters: Uncertain significance (2); Likely benign (1). Last evaluated 2026-08-01.

Submissions (3):

CeGaT Center for Human Genetics Tuebingen
Classification: Uncertain significance. Last evaluated: 2026-08-01. Review status: criteria provided, single submitter. Criteria: CeGaT Center For Human Genetics Tuebingen Variant Classification Criteria Version 2. Collection method: clinical testing. Allele origin: germline. Affected: yes. Observed: 3 variant alleles.
Comment: LTBP4: PM2

Women's Health and Genetics/Laboratory Corporation of America, LabCorp
Classification: Likely benign. Last evaluated: 2024-01-16. Review status: criteria provided, single submitter. Criteria: LabCorp Variant Classification Summary - May 2015. Collection method: clinical testing. Allele origin: germline.
Comment: Variant summary: LTBP4 (NM_003573.2) c.340+1266_340+1277dup12 is located at a position not widely known to affect splicing. Consensus agreement among computation tools predict no significant impact on normal splicing. However, these predictions have yet to be confirmed by functional studies. In addition, the variant is located to the first exon of an alternative transcript, where it is predicted to result in an in-frame duplication change (i.e. NM_001042545.2 c.56_67dup p.(Leu19_Gln22dup)). The variant allele was found at a frequency of 0.00023 in 1,452,510 control chromosomes, predominantly at a frequency of 0.00062 within the Finnish subpopulation in the gnomAD database (v4 dataset). However in certain European subpopulations the variant is reported with even higher allele frequencies, e.g. in the Estonians (i.e. 8/4648 alleles; AF: 0.001721), suggesting that the variant is likely a benign polymorphism. To our knowledge, no occurrence of c.340+1266_340+1277dup12 in individuals affected with Cutis Laxa - LTBP4 Related and no experimental evidence demonstrating its impact on protein function have been reported. ClinVar contains an entry for this variant (Variation ID: 517252). Based on the evidence outlined above, the variant was classified as likely benign.

Laboratory for Molecular Medicine, Mass General Brigham Personalized Medicine
Classification: Uncertain significance. Last evaluated: 2017-03-06. Review status: criteria provided, single submitter. Criteria: LMM Criteria. Collection method: clinical testing. Allele origin: germline. Observed: 1 variant allele.
Comment: The p.Leu19_Gln22dup variant in LTBP4 has not been previously reported in indivi duals with pulmonary disease. Data from large population studies is insufficient to assess the frequency of this variant. This variant is a duplication of 4 ami no acids at positions 19-22 and is not predicted to alter the protein reading-fr ame. It is unclear if this duplication will impact the protein. In summary, the clinical significance of the p.Leu19_Gln22dup variant is uncertain.